The following is an entry in ClinVar:

ClinVar aggregate classification (germline): Uncertain significance. Review status: criteria provided, multiple submitters, no conflicts (2 of 4 stars). 3 submissions from 3 submitters: Uncertain significance (3). Last evaluated 2023-12-05.

Conditions:
Hereditary cancer-predisposing syndrome. Also called: Hereditary Cancer Syndrome; Neoplastic Syndromes, Hereditary; Tumor predisposition; Hereditary neoplastic syndrome. Identifiers: Orphanet 140162, MedGen C0027672, MeSH D009386, MONDO:0015356.
Fanconi anemia complementation group O. Also called: RAD51C-Related Fanconi Anemia. Identifiers: Orphanet 84, MedGen C3150653, MONDO:0013248, OMIM 613390.

Submissions (3):

Color Diagnostics, LLC DBA Color Health
Classification: Uncertain significance for Hereditary cancer-predisposing syndrome. Last evaluated: 2023-12-05. Review status: criteria provided, single submitter. Criteria: ACMG Guidelines, 2015. Collection method: clinical testing. Allele origin: germline.
Comment: This missense variant replaces alanine with glutamic acid at codon 87 of the RAD51C protein. Computational prediction is inconclusive regarding the impact of this variant on protein structure and function (internally defined REVEL score threshold 0.5 < inconclusive < 0.7, PMID: 27666373). To our knowledge, functional studies have not been reported for this variant. This variant has not been reported in individuals affected with RAD51C-related disorders in the literature. This variant has not been identified in the general population by the Genome Aggregation Database (gnomAD). The available evidence is insufficient to determine the role of this variant in disease conclusively. Therefore, this variant is classified as a Variant of Uncertain Significance.

Ambry Genetics
Classification: Uncertain significance for Hereditary cancer-predisposing syndrome. Last evaluated: 2022-03-02. Review status: criteria provided, single submitter. Criteria: Ambry Variant Classification Scheme 2023. Collection method: clinical testing. Allele origin: germline.
Comment: The p.A87E variant (also known as c.260C>A), located in coding exon 2 of the RAD51C gene, results from a C to A substitution at nucleotide position 260. The alanine at codon 87 is replaced by glutamic acid, an amino acid with dissimilar properties. This amino acid position is conserved. In addition, this alteration is predicted to be deleterious by in silico analysis. Since supporting evidence is limited at this time, the clinical significance of this alteration remains unclear.

Labcorp Genetics (formerly Invitae), Labcorp
Classification: Uncertain significance for Fanconi anemia complementation group O. Last evaluated: 2022-02-01. Review status: criteria provided, single submitter. Criteria: Invitae Variant Classification Sherloc (09022015). Collection method: clinical testing. Allele origin: germline.
Comment: In summary, the available evidence is currently insufficient to determine the role of this variant in disease. Therefore, it has been classified as a Variant of Uncertain Significance. Algorithms developed to predict the effect of missense changes on protein structure and function are either unavailable or do not agree on the potential impact of this missense change (SIFT: "Tolerated"; PolyPhen-2: "Probably Damaging"; Align-GVGD: "Class C0"). ClinVar contains an entry for this variant (Variation ID: 631280). This variant has not been reported in the literature in individuals affected with RAD51C-related conditions. This variant is not present in population databases (gnomAD no frequency). This sequence change replaces alanine, which is neutral and non-polar, with glutamic acid, which is acidic and polar, at codon 87 of the RAD51C protein (p.Ala87Glu).

NM_058216.3(RAD51C):c.260C>A (p.Ala87Glu)

Gene: RAD51C (RAD51 paralog C; plus strand). Cytogenetic location: 17q22.
Variant type: single nucleotide variant.
Coding change: c.260C>A on transcript NM_058216.3 (MANE Select); coding-DNA position 260, C replaced by A.
Protein change: p.Ala87Glu; replaces alanine 87 with glutamic acid.
Molecular consequence: missense variant. On other transcripts: non-coding transcript variant (2).
Genome position (GRCh38, 1-based): chr17:58,695,045, C>A. VCF-style: chr17-58695045-C-A. GRCh37 (hg19) VCF-style: chr17-56772406-C-A.
Other names: c.260C>A, p.Ala87Glu (NM_002876.4); short protein forms A87E.
Identifiers: ClinVar variation 631280 (VCV000631280.17), dbSNP rs1567786127, ClinGen allele CA400340528.